The following is an entry in ClinVar:

NM_138694.4(PKHD1):c.3953_3954del (p.His1318fs)

Gene: PKHD1 (PKHD1 ciliary IPT domain containing fibrocystin/polyductin; minus strand). Cytogenetic location: 6p12.2.
Variant type: Deletion.
Coding change: c.3953_3954del on transcript NM_138694.4 (MANE Select); coding-DNA positions 3953 to 3954, 2 bases deleted (AT; older notation c.3953_3954delAT).
Protein change: p.His1318fs; shifts the reading frame from histidine 1318.
Molecular consequence: frameshift variant.
Genome position (GRCh38, 1-based): chr6:52,025,856-52,025,857, AT deleted on the plus strand (AT on the coding strand, the reverse complement: PKHD1 is on the minus strand). VCF-style (leftmost placement, unchanged base first): chr6-52025855-CAT-C. GRCh37 (hg19) VCF-style: chr6-51890653-CAT-C.
Other names: c.3953_3954del, p.His1318fs (NM_170724.3); short protein forms H1318fs.
Identifiers: ClinVar variation 4816652 (VCV004816652.2).

ClinVar aggregate classification (germline): Pathogenic/Likely pathogenic. Review status: criteria provided, multiple submitters, no conflicts (2 of 4 stars). 2 submissions from 2 submitters: Pathogenic (1); Likely pathogenic (1). Last evaluated 2024-08-14.

Conditions:
Polycystic kidney disease 4 (PKD4). Also called: Autosomal Recessive Polycystic Kidney Disease – PKHD1; POLYCYSTIC KIDNEY AND HEPATIC DISEASE 1; POLYCYSTIC KIDNEY DISEASE, INFANTILE, TYPE I; POLYCYSTIC KIDNEY DISEASE 4 WITH OR WITHOUT POLYCYSTIC LIVER DISEASE; PKD3. Identifiers: MedGen C4540575, MONDO:0033004, OMIM 263200.
Autosomal recessive polycystic kidney disease (ARPKD). Also called: AR polycystic kidney disease. Identifiers: Orphanet 731, Orphanet 8378, MedGen C0085548, MeSH D017044, MONDO:0009889.

Submissions (2):

Myriad Genetics, Inc.
Classification: Pathogenic for Polycystic kidney disease 4. Last evaluated: 2024-08-14. Review status: criteria provided, single submitter. Criteria: Myriad Autosomal Dominant, Autosomal Recessive and X-Linked Classification Criteria (2023). Collection method: clinical testing. Allele origin: unknown.
Comment: NM_138694.3(PKHD1):c.3953_3954delAT(H1318Rfs*5) is expected to be pathogenic in the context of autosomal recessive polycystic kidney disease, PKHD1-related. This variant is predicted to lead to an abnormal or absent protein product due to the creation of a premature termination codon in PKHD1, a gene where loss-of-function variants are known to be pathogenic. Please note: this variant was assessed in the context of healthy population screening.

Natera, Inc.
Classification: Likely pathogenic for Autosomal recessive polycystic kidney disease. Last evaluated: 2024-03-27. Review status: criteria provided, single submitter. Criteria: Natera Variant Classification Schema (03/2026). Collection method: clinical testing. Allele origin: germline.
Comment: The c.3953_3954delAT variant in PKHD1 is a frameshift variant predicted to shift the reading frame beginning at codon 1318 and leads to a stop codon 5 codons downstream. This variant is expected to result in nonsense mediated decay, truncation, or a dysfunctional protein product. This variant is rare in the general population with a frequency below the threshold expected for the associated phenotype(s). Given the available evidence, this variant is classified as Likely Pathogenic.